The following is an entry in ClinVar:

NM_001134407.3(GRIN2A):c.3773G>T (p.Gly1258Val)

Gene: GRIN2A (glutamate ionotropic receptor NMDA type subunit 2A; minus strand). Cytogenetic location: 16p13.2.
Variant type: single nucleotide variant.
Coding change: c.3773G>T on transcript NM_001134407.3 (MANE Select); coding-DNA position 3773, G replaced by T.
Protein change: p.Gly1258Val; replaces glycine 1258 with valine.
Molecular consequence: missense variant. On other transcripts: splice donor variant (1).
Genome position (GRCh38, 1-based): chr16:9,763,771, C>A on the plus strand (G>T on the coding strand, the complement: GRIN2A is on the minus strand). VCF-style: chr16-9763771-C-A. GRCh37 (hg19) VCF-style: chr16-9857628-C-A.
Other names: c.3773G>T, p.Gly1258Val (NM_000833.5); c.3772+1G>T (NM_001134408.2); short protein forms G1258V.
Identifiers: ClinVar variation 4802908 (VCV004802908.1).

ClinVar aggregate classification (germline): Uncertain significance (1 of 4 stars; one submission).

Conditions:
Landau-Kleffner syndrome (FESD). Also called: EPILEPSY, FOCAL, WITH SPEECH DISORDER AND WITH OR WITHOUT MENTAL RETARDATION; APHASIA, ACQUIRED, WITH EPILEPSY. Identifiers: Orphanet 1945, Orphanet 725, Orphanet 98818, MedGen C0282512, MONDO:0009509, OMIM 245570.

Submission:

Labcorp Genetics (formerly Invitae), Labcorp
Classification: Uncertain significance for Landau-Kleffner syndrome. Last evaluated: 2026-01-11. Review status: criteria provided, single submitter. Criteria: Invitae Variant Classification Sherloc (09022015). Collection method: clinical testing. Allele origin: germline.
Comment: This sequence change replaces glycine, which is neutral and non-polar, with valine, which is neutral and non-polar, at codon 1258 of the GRIN2A protein (p.Gly1258Val). This variant is not present in population databases (gnomAD no frequency). This variant has not been reported in the literature in individuals affected with GRIN2A-related conditions. Invitae Evidence Modeling of protein sequence and biophysical properties (such as structural, functional, and spatial information, amino acid conservation, physicochemical variation, residue mobility, and thermodynamic stability) has been performed for this missense variant. However, the output from this modeling did not meet the statistical confidence thresholds required to predict the impact of this variant on GRIN2A protein function. In summary, the available evidence is currently insufficient to determine the role of this variant in disease. Therefore, it has been classified as a Variant of Uncertain Significance.